The following is an entry in ClinVar:

NM_005428.4(VAV1):c.1803G>C (p.Gln601His)

Gene: VAV1 (vav guanine nucleotide exchange factor 1; plus strand). Cytogenetic location: 19p13.3.
Variant type: single nucleotide variant.
Coding change: c.1803G>C on transcript NM_005428.4 (MANE Select); coding-DNA position 1803, G replaced by C.
Protein change: p.Gln601His; replaces glutamine 601 with histidine.
Molecular consequence: missense variant.
Genome position (GRCh38, 1-based): chr19:6,836,457, G>C. VCF-style: chr19-6836457-G-C. GRCh37 (hg19) VCF-style: chr19-6836468-G-C.
Other names: c.1803G>C, p.Gln601His (NM_001258206.2); c.1707G>C, p.Gln569His (NM_001258207.2); short protein forms Q569H, Q601H.
Identifiers: ClinVar variation 2482241 (VCV002482241.4), dbSNP rs2512385677, ClinGen allele CA403631206.

ClinVar aggregate classification (germline): Uncertain significance. Review status: criteria provided, multiple submitters, no conflicts (2 of 4 stars). 2 submissions from 2 submitters: Uncertain significance (2). Last evaluated 2024-12-23.

Submissions (2):

Labcorp Genetics (formerly Invitae), Labcorp
Classification: Uncertain significance. Last evaluated: 2024-12-23. Review status: criteria provided, single submitter. Criteria: Invitae Variant Classification Sherloc (09022015). Collection method: clinical testing. Allele origin: germline.
Comment: This sequence change replaces glutamine, which is neutral and polar, with histidine, which is basic and polar, at codon 601 of the VAV1 protein (p.Gln601His). This variant is not present in population databases (gnomAD no frequency). This variant has not been reported in the literature in individuals affected with VAV1-related conditions. ClinVar contains an entry for this variant (Variation ID: 2482241). An algorithm developed to predict the effect of missense changes on protein structure and function (PolyPhen-2) suggests that this variant is likely to be disruptive. In summary, the available evidence is currently insufficient to determine the role of this variant in disease. Therefore, it has been classified as a Variant of Uncertain Significance.

Ambry Genetics
Classification: Uncertain significance. Last evaluated: 2023-02-07. Review status: criteria provided, single submitter. Criteria: Ambry Variant Classification Scheme 2023. Collection method: clinical testing. Allele origin: germline.